The following is an entry in ClinVar:

NM_004444.5(EPHB4):c.2334+13G>C

Gene: EPHB4 (EPH receptor B4; minus strand). Cytogenetic location: 7q22.1.
Variant type: single nucleotide variant.
Coding change: c.2334+13G>C on transcript NM_004444.5 (MANE Select); 13 bases into the intron after coding-DNA position 2334, G replaced by C.
Molecular consequence: intron variant.
Genome position (GRCh38, 1-based): chr7:100,807,352, C>G on the plus strand (G>C on the coding strand, the complement: EPHB4 is on the minus strand). VCF-style: chr7-100807352-C-G. GRCh37 (hg19) VCF-style: chr7-100404974-C-G.
Identifiers: ClinVar variation 1937485 (VCV001937485.5), dbSNP rs1194818328, ClinGen allele CA576454712.

ClinVar aggregate classification (germline): Uncertain significance (1 of 4 stars; one submission).

Allele frequency attached by ClinVar (database versions not stated): TOPMed 0.00002.
gnomAD v4.1: 1 of 1,612,344 alleles (0.000062%); highest among the groups gnomAD compares: Admixed American, 0.0017%; no homozygotes.

Submission:

Labcorp Genetics (formerly Invitae), Labcorp
Classification: Uncertain significance. Last evaluated: 2023-09-20. Review status: criteria provided, single submitter. Criteria: Invitae Variant Classification Sherloc (09022015). Collection method: clinical testing. Allele origin: germline.
Comment: In summary, the available evidence is currently insufficient to determine the role of this variant in disease. Therefore, it has been classified as a Variant of Uncertain Significance. Algorithms developed to predict the effect of sequence changes on RNA splicing suggest that this variant may disrupt the consensus splice site. ClinVar contains an entry for this variant (Variation ID: 1937485). This variant has not been reported in the literature in individuals affected with EPHB4-related conditions. This variant is present in population databases (no rsID available, gnomAD 0.003%). This sequence change falls in intron 13 of the EPHB4 gene. It does not directly change the encoded amino acid sequence of the EPHB4 protein.